The following is an entry in ClinVar:

ClinVar aggregate classification (germline): Uncertain significance (1 of 4 stars; one submission).

Conditions:
Idiopathic generalized epilepsy. Also called: Generalised epilepsy; EIG. Identifiers: MedGen C0270850, MONDO:0005579, OMIM 600669.
Hyperaldosteronism, familial, type IV (HALD4). Also called: FH IV; ALDOSTERONISM, PRIMARY, AND HYPERTENSION. Identifiers: Orphanet 642671, MedGen C4310756, MONDO:0014875, OMIM 617027.

Submission:

Labcorp Genetics (formerly Invitae), Labcorp
Classification: Uncertain significance for Idiopathic generalized epilepsy; Hyperaldosteronism, familial, type IV. Last evaluated: 2023-09-29. Review status: criteria provided, single submitter. Criteria: Invitae Variant Classification Sherloc (09022015). Collection method: clinical testing. Allele origin: unknown.
Comment: This variant results in a copy number gain of the genomic region encompassing exon(s) 2-16 of the CACNA1H gene. This region includes the initiator codon of the gene. This copy number gain extends beyond the assayed region for this gene and therefore may encompass additional genes. As the precise location of this event is unknown, it may be in tandem or it may be located elsewhere in the genome. This variant has not been reported in the literature in individuals affected with CACNA1H-related conditions. Experimental studies and prediction algorithms are not available or were not evaluated, and the functional significance of this variant is currently unknown. In summary, the available evidence is currently insufficient to determine the role of this variant in disease. Therefore, it has been classified as a Variant of Uncertain Significance.

NC_000016.9:g.(?_1203738)_(1258241_?)dup

Gene: CACNA1H (calcium voltage-gated channel subunit alpha1 H; plus strand). Cytogenetic location: 16p13.3.
Variant type: Duplication.
Identifiers: ClinVar variation 3243340 (VCV003243340.1).